The following is an entry in ClinVar:

ClinVar aggregate classification (germline): Uncertain significance (1 of 4 stars; one submission).

Conditions:
Hypertrophic cardiomyopathy 14. Identifiers: MedGen C2750467, MONDO:0013197, OMIM 613251.

Allele frequency attached by ClinVar (database versions not stated): gnomAD exomes below 0.00001; gnomAD 0.00001.
gnomAD v4.1: 2 of 1,614,148 alleles (0.00012%); highest among the groups gnomAD compares: East Asian, 0.0022%; no homozygotes.

Submission:

Labcorp Genetics (formerly Invitae), Labcorp
Classification: Uncertain significance for Hypertrophic cardiomyopathy 14. Last evaluated: 2025-12-11. Review status: criteria provided, single submitter. Criteria: Invitae Variant Classification Sherloc (09022015). Collection method: clinical testing. Allele origin: germline.
Comment: This sequence change replaces asparagine, which is neutral and polar, with serine, which is neutral and polar, at codon 1920 of the MYH6 protein (p.Asn1920Ser). This variant is not present in population databases (gnomAD no frequency). This variant has not been reported in the literature in individuals affected with MYH6-related conditions. ClinVar contains an entry for this variant (Variation ID: 1524001). Invitae Evidence Modeling of protein sequence and biophysical properties (such as structural, functional, and spatial information, amino acid conservation, physicochemical variation, residue mobility, and thermodynamic stability) indicates that this missense variant is not expected to disrupt MYH6 protein function with a negative predictive value of 80%. In summary, the available evidence is currently insufficient to determine the role of this variant in disease. Therefore, it has been classified as a Variant of Uncertain Significance.

NM_002471.4(MYH6):c.5759A>G (p.Asn1920Ser)

Gene: MYH6 (myosin heavy chain 6; minus strand). Cytogenetic location: 14q11.2.
Variant type: single nucleotide variant.
Coding change: c.5759A>G on transcript NM_002471.4 (MANE Select); coding-DNA position 5759, A replaced by G.
Protein change: p.Asn1920Ser; replaces asparagine 1920 with serine.
Molecular consequence: missense variant.
Genome position (GRCh38, 1-based): chr14:23,382,465, T>C on the plus strand (A>G on the coding strand, the complement: MYH6 is on the minus strand). VCF-style: chr14-23382465-T-C. GRCh37 (hg19) VCF-style: chr14-23851674-T-C.
Other names: short protein forms N1920S.
Identifiers: ClinVar variation 1524001 (VCV001524001.6), dbSNP rs539827027, ClinGen allele CA257775203.